The following is an entry in ClinVar:

NM_000051.4(ATM):c.1105T>C (p.Ser369Pro)

Gene: ATM (ATM serine/threonine kinase; plus strand). Cytogenetic location: 11q22.3.
Variant type: single nucleotide variant.
Coding change: c.1105T>C on transcript NM_000051.4 (MANE Select); coding-DNA position 1105, T replaced by C.
Protein change: p.Ser369Pro; replaces serine 369 with proline.
Molecular consequence: missense variant.
Genome position (GRCh38, 1-based): chr11:108,248,972, T>C. VCF-style: chr11-108248972-T-C. GRCh37 (hg19) VCF-style: chr11-108119699-T-C.
Other names: c.1105T>C, p.Ser369Pro (NM_001351834.2); short protein forms S369P.
Identifiers: ClinVar variation 1793650 (VCV001793650.2), dbSNP rs2135291256, ClinGen allele CA382532394.
Genomic context (GRCh38, chr11:108,248,972, plus strand): 5'-GGATTTATTTTTATTTTACAGGTTTTTAATGAAGATACCAGATCCTTGGAGATTTCTCAA[T>C]CTTACACTACTACACAAAGAGAATCTAGTGATTACAGTGTCCCTTGCAAAAGGAAGAAAA-3'
Protein context (NP_000042.3, residues 359-379): EDTRSLEISQ[Ser369Pro]YTTTQRESSD

ClinVar aggregate classification (germline): Uncertain significance (1 of 4 stars; one submission).

Conditions:
Hereditary cancer-predisposing syndrome. Also called: Tumor predisposition; Hereditary Cancer Syndrome; Neoplastic Syndromes, Hereditary; Hereditary neoplastic syndrome. Identifiers: Orphanet 140162, MedGen C0027672, MeSH D009386, MONDO:0015356.

Submission:

Ambry Genetics
Classification: Uncertain significance for Hereditary cancer-predisposing syndrome. Last evaluated: 2022-01-02. Review status: criteria provided, single submitter. Criteria: Ambry Variant Classification Scheme 2023. Collection method: clinical testing. Allele origin: germline.
Comment: The p.S369P variant (also known as c.1105T>C), located in coding exon 8 of the ATM gene, results from a T to C substitution at nucleotide position 1105. The serine at codon 369 is replaced by proline, an amino acid with similar properties. This amino acid position is conserved. In addition, this alteration is predicted to be tolerated by in silico analysis. Since supporting evidence is limited at this time, the clinical significance of this alteration remains unclear.